The following is an entry in ClinVar:

NM_001099922.3(ALG13):c.886-16C>A

Gene: ALG13 (ALG13 UDP-N-acetylglucosaminyltransferase subunit; plus strand). Cytogenetic location: Xq23.
Variant type: single nucleotide variant.
Coding change: c.886-16C>A on transcript NM_001099922.3 (MANE Select); 16 bases into the intron before coding-DNA position 886, C replaced by A.
Molecular consequence: intron variant.
Genome position (GRCh38, 1-based): chrX:111,712,468, C>A. VCF-style: chrX-111712468-C-A. GRCh37 (hg19) VCF-style: chrX-110955696-C-A.
Other names: c.574-16C>A (NM_001257237.2, NM_001324293.1, NM_001257234.2 and 1 more transcripts); c.652-16C>A (NM_001257231.2); c.886-16C>A (NM_001324292.2).
Identifiers: ClinVar variation 388325 (VCV000388325.12), dbSNP rs780688383, ClinGen allele CA10493604.

ClinVar aggregate classification (germline): Benign/Likely benign. Review status: criteria provided, multiple submitters, no conflicts (2 of 4 stars). 4 submissions from 4 submitters: Benign (2); Likely benign (2). Last evaluated 2025-12-21.

Conditions:
Developmental and epileptic encephalopathy, 36 (DEE36). Also called: ALG13-CDG; Congenital disorder of glycosylation, type Is; Epileptic encephalopathy, early infantile, 36. Identifiers: Orphanet 324422, MedGen C4317295, MONDO:0010472, OMIM 300884.

Allele frequency attached by ClinVar (database versions not stated): 1000 Genomes Project 30x 0.00021; gnomAD 0.00023; TOPMed 0.00028; ExAC 0.00037.
gnomAD v4.1: 115 of 1,109,524 alleles (0.01%); highest among the groups gnomAD compares: East Asian, 0.33%; no homozygotes.

Submissions (9):

Labcorp Genetics (formerly Invitae), Labcorp
Classification: Benign for Developmental and epileptic encephalopathy, 36. Last evaluated: 2025-12-21. Review status: criteria provided, single submitter. Criteria: Invitae Variant Classification Sherloc (09022015). Collection method: clinical testing. Allele origin: germline.

Blueprint Genetics
Classification: Likely benign. Last evaluated: 2024-10-11. Review status: criteria provided, single submitter. Criteria: ACMG Guidelines, 2015. Collection method: clinical testing. Allele origin: germline.

Genome-Nilou Lab
Classification: Benign for Developmental and epileptic encephalopathy, 36. Last evaluated: 2021-12-05. Review status: criteria provided, single submitter. Criteria: ACMG Guidelines, 2015. Collection method: clinical testing. Allele origin: germline. Affected: no.

GeneDx
Classification: Likely benign. Last evaluated: 2016-08-09. Review status: criteria provided, single submitter. Criteria: GeneDx Variant Classification (06012015). Collection method: clinical testing. Allele origin: germline. Affected: yes.
Comment: This variant is considered likely benign or benign based on one or more of the following criteria: it is a conservative change, it occurs at a poorly conserved position in the protein, it is predicted to be benign by multiple in silico algorithms, and/or has population frequency not consistent with disease.

Dr. Peter K. Rogan Lab, Western University
No classification provided (evidence only). Condition: Malignant lymphoma, large B-cell, diffuse. Review status: no classification provided. Collection method: in vitro. Allele origin: not applicable. Functional consequence: retained intron. Not counted in ClinVar's aggregate classification.

Dr. Peter K. Rogan Lab, Western University
No classification provided (evidence only). Condition: Gastric cancer. Review status: no classification provided. Collection method: in vitro. Allele origin: not applicable. Functional consequence: retained intron. Not counted in ClinVar's aggregate classification.

Dr. Peter K. Rogan Lab, Western University
No classification provided (evidence only). Condition: Malignant tumor of esophagus. Review status: no classification provided. Collection method: in vitro. Allele origin: not applicable. Functional consequence: retained intron. Not counted in ClinVar's aggregate classification.

Dr. Peter K. Rogan Lab, Western University
No classification provided (evidence only). Condition: Malignant tumor of esophagus. Review status: no classification provided. Collection method: in vitro. Allele origin: not applicable. Functional consequence: retained intron. Not counted in ClinVar's aggregate classification.

Dr. Peter K. Rogan Lab, Western University
No classification provided (evidence only). Condition: Malignant tumor of esophagus. Review status: no classification provided. Collection method: in vitro. Allele origin: not applicable. Functional consequence: retained intron. Not counted in ClinVar's aggregate classification.